The following is an entry in ClinVar:

ClinVar aggregate classification (germline): Likely benign (0 of 4 stars; one submission).

Conditions:
EXO1-related disorder. Also called: EXO1-related condition.

Allele frequency attached by ClinVar (database versions not stated): gnomAD exomes 0.00001; TOPMed 0.00001; ExAC 0.00003.
gnomAD v4.1: 27 of 1,608,966 alleles (0.0017%); highest among the groups gnomAD compares: African/African-American, 0.0053%; no homozygotes.

Submission:

PreventionGenetics, part of Exact Sciences
Classification: Likely benign for EXO1-related condition. Last evaluated: 2019-06-11. Review status: no assertion criteria provided. Collection method: clinical testing. Allele origin: germline.
Comment: This variant is classified as likely benign based on ACMG/AMP sequence variant interpretation guidelines (Richards et al. 2015 PMID: 25741868, with internal and published modifications).

NM_130398.4(EXO1):c.1911C>T (p.Ser637=)

Gene: EXO1 (exonuclease 1; plus strand). Cytogenetic location: 1q43.
Variant type: single nucleotide variant.
Coding change: c.1911C>T on transcript NM_130398.4 (MANE Select); coding-DNA position 1911, C replaced by T.
Protein change: p.Ser637=; no amino-acid change (serine 637 retained).
Molecular consequence: synonymous variant.
Genome position (GRCh38, 1-based): chr1:241,879,145, C>T. VCF-style: chr1-241879145-C-T. GRCh37 (hg19) VCF-style: chr1-242042447-C-T.
Other names: c.1908C>T, p.Ser636= (NM_001319224.2); c.1911C>T, p.Ser637= (NM_003686.4, NM_006027.4).
Identifiers: ClinVar variation 3034193 (VCV003034193.2), dbSNP rs763523848, ClinGen allele CA1481465.